The following is an entry in ClinVar:

NM_000482.4(APOA4):c.401G>A (p.Arg134His)

Gene: APOA4 (apolipoprotein A4; minus strand). Cytogenetic location: 11q23.3.
Variant type: single nucleotide variant.
Coding change: c.401G>A on transcript NM_000482.4 (MANE Select); coding-DNA position 401, G replaced by A.
Protein change: p.Arg134His; replaces arginine 134 with histidine.
Molecular consequence: missense variant.
Genome position (GRCh38, 1-based): chr11:116,821,657, C>T on the plus strand (G>A on the coding strand, the complement: APOA4 is on the minus strand). VCF-style: chr11-116821657-C-T. GRCh37 (hg19) VCF-style: chr11-116692373-C-T.
Other names: short protein forms R134H.
Identifiers: ClinVar variation 2698421 (VCV002698421.7), dbSNP rs202096537, ClinGen allele CA6289443.

ClinVar aggregate classification (germline): Benign/Likely benign. Review status: criteria provided, multiple submitters, no conflicts (2 of 4 stars). 2 submissions from 2 submitters: Benign (1); Likely benign (1). Last evaluated 2026-09-01.

Allele frequency attached by ClinVar (database versions not stated): gnomAD 0.00008; TOPMed 0.00024; 1000 Genomes Project 30x 0.00031; 1000 Genomes Project 0.00040; ExAC 0.00057.
gnomAD v4.1: 194 of 1,607,510 alleles (0.012%); highest among the groups gnomAD compares: Admixed American, 0.31%; no homozygotes.

Submissions (2):

CeGaT Center for Human Genetics Tuebingen
Classification: Benign. Last evaluated: 2026-09-01. Review status: criteria provided, single submitter. Criteria: CeGaT Center For Human Genetics Tuebingen Variant Classification Criteria Version 2. Collection method: clinical testing. Allele origin: germline. Affected: yes. Observed: 2 variant alleles.
Comment: APOA4: BP4, BS1, BS2

Labcorp Genetics (formerly Invitae), Labcorp
Classification: Likely benign. Last evaluated: 2025-11-18. Review status: criteria provided, single submitter. Criteria: Invitae Variant Classification Sherloc (09022015). Collection method: clinical testing. Allele origin: germline.